The following is an entry in ClinVar:

ClinVar aggregate classification (germline): Uncertain significance (1 of 4 stars; one submission).

Conditions:
Familial thoracic aortic aneurysm and aortic dissection (TAAD). Also called: Thoracic aortic aneurysms and dissections. Identifiers: Orphanet 91387, MedGen C4707243, MONDO:0019625.

Allele frequency attached by ClinVar (database versions not stated): gnomAD exomes below 0.00001.
gnomAD v4.1: 1 of 1,613,932 alleles (0.000062%); highest among the groups gnomAD compares: South Asian, 0.0011%; no homozygotes.

Submission:

Labcorp Genetics (formerly Invitae), Labcorp
Classification: Uncertain significance for Familial thoracic aortic aneurysm and aortic dissection. Last evaluated: 2024-03-03. Review status: criteria provided, single submitter. Criteria: Invitae Variant Classification Sherloc (09022015). Collection method: clinical testing. Allele origin: germline.
Comment: This sequence change replaces alanine, which is neutral and non-polar, with serine, which is neutral and polar, at codon 117 of the TGFBR2 protein (p.Ala117Ser). This variant is not present in population databases (gnomAD no frequency). This variant has not been reported in the literature in individuals affected with TGFBR2-related conditions. Advanced modeling of protein sequence and biophysical properties (such as structural, functional, and spatial information, amino acid conservation, physicochemical variation, residue mobility, and thermodynamic stability) performed at Invitae indicates that this missense variant is not expected to disrupt TGFBR2 protein function with a negative predictive value of 95%. In summary, the available evidence is currently insufficient to determine the role of this variant in disease. Therefore, it has been classified as a Variant of Uncertain Significance.

NM_003242.6(TGFBR2):c.349G>T (p.Ala117Ser)

Gene: TGFBR2 (transforming growth factor beta receptor 2; plus strand). Cytogenetic location: 3p24.1.
Variant type: single nucleotide variant.
Coding change: c.349G>T on transcript NM_003242.6 (MANE Select); coding-DNA position 349, G replaced by T.
Protein change: p.Ala117Ser; replaces alanine 117 with serine.
Molecular consequence: missense variant. On other transcripts: intron variant (2).
Genome position (GRCh38, 1-based): chr3:30,650,355, G>T. VCF-style: chr3-30650355-G-T. GRCh37 (hg19) VCF-style: chr3-30691847-G-T.
Other names: c.424G>T, p.Ala142Ser (NM_001024847.3, NM_001407126.1, NM_001407139.1); c.349G>T, p.Ala117Ser (NM_001407127.1, NM_001407130.1); c.376G>T, p.Ala126Ser (NM_001407128.1); c.244G>T, p.Ala82Ser (NM_001407129.1, NM_001407132.1, NM_001407133.1 and 3 more transcripts); c.170-21283G>T (NM_001407137.1); c.95-21283G>T (NM_001407138.1); short protein forms A82S, A117S, A126S, A142S.
Identifiers: ClinVar variation 2694129 (VCV002694129.3), dbSNP rs2125410253, ClinGen allele CA351806886.